The following is an entry in ClinVar:

ClinVar aggregate classification (germline): Uncertain significance (1 of 4 stars; one submission).

Conditions:
RORA-associated neurodevelopmental disorder.

Submission:

Clinical Genomics Laboratory, Stanford Medicine
Classification: Uncertain significance for RORA-associated neurodevelopmental disorder. Last evaluated: 2023-08-16. Review status: criteria provided, single submitter. Criteria: ACMG Guidelines, 2015. Collection method: clinical testing. Allele origin: de novo. Affected: yes. Observed: 1 variant allele, 1 heterozygote.
Comment: This variant was absent from large population databases, including the Genome Aggregation Database. This variant occurs in the 3’ acceptor splice site of intron 7. Computational splicing tools do not predict an impact to splicing; however, the accuracy of in silico algorithms is limited. These data were assessed using the ACMG/AMP variant interpretation guidelines. In summary, the significance of the c.1076-6G>A variant is uncertain. Additional information is needed to resolve the significance of this variant. [ACMG evidence codes used: PM2; BP4]

NM_134261.3(RORA):c.1076-6G>A

Genes: RORA (RAR related orphan receptor A; minus strand), RORA-AS1 (RORA antisense RNA 1; plus strand). Cytogenetic location: 15q22.2.
Variant type: single nucleotide variant.
Coding change: c.1076-6G>A on transcript NM_134261.3 (MANE Select); 6 bases into the intron before coding-DNA position 1076, G replaced by A.
Molecular consequence: intron variant.
Genome position (GRCh38, 1-based): chr15:60,502,873, C>T on the plus strand (G>A on the coding strand, the complement: RORA is on the minus strand). VCF-style: chr15-60502873-C-T. GRCh37 (hg19) VCF-style: chr15-60795072-C-T.
Other names: c.1175-6G>A (NM_134260.3); c.1151-6G>A (NM_002943.4); c.911-6G>A (NM_134262.3).
Identifiers: ClinVar variation 4819096 (VCV004819096.1).